The following is an entry in ClinVar:

ClinVar aggregate classification (germline): Likely benign (0 of 4 stars; one submission).

Conditions:
NSD3-related disorder. Also called: NSD3-related condition.

Allele frequency attached by ClinVar (database versions not stated): gnomAD exomes 0.00011; ExAC 0.00025; ESP Exome Variant Server 0.00042; gnomAD 0.00047; TOPMed 0.00062.
gnomAD v4.1: 241 of 1,613,986 alleles (0.015%); highest among the groups gnomAD compares: African/African-American, 0.13%; 1 homozygote.

Submission:

PreventionGenetics, part of Exact Sciences
Classification: Likely benign for NSD3-related condition. Last evaluated: 2019-06-20. Review status: no assertion criteria provided. Collection method: clinical testing. Allele origin: germline.
Comment: This variant is classified as likely benign based on ACMG/AMP sequence variant interpretation guidelines (Richards et al. 2015 PMID: 25741868, with internal and published modifications).

NM_023034.2(NSD3):c.2262G>A (p.Ser754=)

Gene: NSD3 (nuclear receptor binding SET domain protein 3; minus strand). Cytogenetic location: 8p11.23.
Variant type: single nucleotide variant.
Coding change: c.2262G>A on transcript NM_023034.2 (MANE Select); coding-DNA position 2262, G replaced by A.
Protein change: p.Ser754=; no amino-acid change (serine 754 retained).
Molecular consequence: synonymous variant.
Genome position (GRCh38, 1-based): chr8:38,305,426, C>T on the plus strand (G>A on the coding strand, the complement: NSD3 is on the minus strand). VCF-style: chr8-38305426-C-T. GRCh37 (hg19) VCF-style: chr8-38162944-C-T.
Identifiers: ClinVar variation 3042747 (VCV003042747.2), dbSNP rs370657767, ClinGen allele CA4717131.